The following is an entry in ClinVar:

NM_002658.6(PLAU):c.162A>G (p.Pro54=)

Genes: C10orf55 (chromosome 10 putative open reading frame 55; minus strand), PLAU (plasminogen activator, urokinase; plus strand). Cytogenetic location: 10q22.2.
Variant type: single nucleotide variant.
Coding change: c.162A>G on transcript NM_002658.6 (MANE Select); coding-DNA position 162, A replaced by G.
Protein change: p.Pro54=; no amino-acid change (proline 54 retained).
Molecular consequence: synonymous variant. On other transcripts: 5 prime UTR variant (1).
Genome position (GRCh38, 1-based): chr10:73,912,291, A>G. VCF-style: chr10-73912291-A-G. GRCh37 (hg19) VCF-style: chr10-75672049-A-G.
Other names: c.111A>G, p.Pro37= (NM_001145031.3); c.-97A>G (NM_001319191.2).
Identifiers: ClinVar variation 300743 (VCV000300743.34), dbSNP rs142059320, ClinGen allele CA5562334.

ClinVar aggregate classification (germline): Benign/Likely benign. Review status: criteria provided, multiple submitters, no conflicts (2 of 4 stars). 5 submissions from 5 submitters: Benign (1); Likely benign (3). 1 of the submissions does not count toward it. Last evaluated 2023-03-01.

Conditions:
Quebec platelet disorder (QPD). Also called: FACTOR V QUEBEC; BLEEDING DISORDER, PLATELET-TYPE, 5. Identifiers: Orphanet 220436, MedGen C1866423, MONDO:0011136, OMIM 601709.
PLAU-related disorder. Also called: PLAU-related condition.

Allele frequency attached by ClinVar (database versions not stated): 1000 Genomes Project 0.00120; 1000 Genomes Project 30x 0.00141; ExAC 0.00146; gnomAD exomes 0.00152 and 0.00289; gnomAD 0.00165 and 0.00167; TOPMed 0.00184; ESP Exome Variant Server 0.00192.
gnomAD v4.1: 4,419 of 1,613,946 alleles (0.27%); highest among the groups gnomAD compares: Non-Finnish European, 0.34%; 13 homozygotes.

Submissions (5):

CeGaT Center for Human Genetics Tuebingen
Classification: Likely benign. Last evaluated: 2023-03-01. Review status: criteria provided, single submitter. Criteria: CeGaT Center For Human Genetics Tuebingen Variant Classification Criteria Version 2. Collection method: clinical testing. Allele origin: germline. Affected: yes. Observed: 1 variant allele.
Comment: PLAU: BP4, BP7, BS2

Labcorp Genetics (formerly Invitae), Labcorp
Classification: Likely benign. Last evaluated: 2018-06-09. Review status: criteria provided, single submitter. Criteria: Invitae Variant Classification Sherloc (09022015). Collection method: clinical testing. Allele origin: germline.

Illumina Laboratory Services, Illumina
Classification: Benign for Quebec platelet disorder. Last evaluated: 2018-01-13. Review status: criteria provided, single submitter. Criteria: ICSL Variant Classification Criteria 13 December 2019. Collection method: clinical testing. Allele origin: germline.
Comment: This variant was observed in the ICSL laboratory as part of a predisposition screen in an ostensibly healthy population. It had not been previously curated by ICSL or reported in the Human Gene Mutation Database (HGMD: prior to June 1st, 2018), and was therefore a candidate for classification through an automated scoring system. Utilizing variant allele frequency, disease prevalence and penetrance estimates, and inheritance mode, an automated score was calculated to assess if this variant is too frequent to cause the disease. Based on the score and internal cut-off values, a variant classified as benign is not then subjected to further curation. The score for this variant resulted in a classification of benign for this disease.

Breakthrough Genomics
Classification: Likely benign. Review status: criteria provided, single submitter. Criteria: ACMG Guidelines, 2015. Collection method: not provided. Allele origin: germline. Inheritance: Autosomal dominant inheritance. Affected: yes.

PreventionGenetics, part of Exact Sciences
Classification: Likely benign for PLAU-related condition. Last evaluated: 2019-11-19. Review status: no assertion criteria provided. Collection method: clinical testing. Allele origin: germline. Not counted in ClinVar's aggregate classification.
Comment: This variant is classified as likely benign based on ACMG/AMP sequence variant interpretation guidelines (Richards et al. 2015 PMID: 25741868, with internal and published modifications).